The following is an entry in ClinVar:

NM_001291303.3(FAT4):c.212C>T (p.Thr71Ile)

Gene: FAT4 (FAT atypical cadherin 4; plus strand). Cytogenetic location: 4q28.1.
Variant type: single nucleotide variant.
Coding change: c.212C>T on transcript NM_001291303.3 (MANE Select); coding-DNA position 212, C replaced by T.
Protein change: p.Thr71Ile; replaces threonine 71 with isoleucine.
Molecular consequence: missense variant.
Genome position (GRCh38, 1-based): chr4:125,316,623, C>T. VCF-style: chr4-125316623-C-T. GRCh37 (hg19) VCF-style: chr4-126237778-C-T.
Other names: c.212C>T, p.Thr71Ile (NM_001291285.3, NM_024582.6); short protein forms T71I.
Identifiers: ClinVar variation 3637024 (VCV003637024.2).
Genomic context (GRCh38, chr4:125,316,623, plus strand): 5'-TGCTGGAAGAGCAACCTCCAGGCACTCTGGTAGGCACCATCCAGACGCGCCCCGGCTTCA[C>T]CTACAGGCTCAGCGAAAGCCACGCCCTGTTTGCCATAAACAGTAGCACCGGAGCCCTGTA-3'
Protein context (NP_001278232.1, residues 61-81): VGTIQTRPGF[Thr71Ile]YRLSESHALF

ClinVar aggregate classification (germline): Uncertain significance (1 of 4 stars; one submission).

gnomAD v4.1: 1 of 1,613,842 alleles (0.000062%); highest among the groups gnomAD compares: African/African-American, 0.0013%; no homozygotes.

Submission:

Labcorp Genetics (formerly Invitae), Labcorp
Classification: Uncertain significance. Last evaluated: 2024-05-28. Review status: criteria provided, single submitter. Criteria: Invitae Variant Classification Sherloc (09022015). Collection method: clinical testing. Allele origin: germline.
Comment: This sequence change replaces threonine, which is neutral and polar, with isoleucine, which is neutral and non-polar, at codon 71 of the FAT4 protein (p.Thr71Ile). This variant is present in population databases (no rsID available, gnomAD 0.01%). This variant has not been reported in the literature in individuals affected with FAT4-related conditions. Advanced modeling of protein sequence and biophysical properties (such as structural, functional, and spatial information, amino acid conservation, physicochemical variation, residue mobility, and thermodynamic stability) performed at Invitae indicates that this missense variant is not expected to disrupt FAT4 protein function with a negative predictive value of 95%. In summary, the available evidence is currently insufficient to determine the role of this variant in disease. Therefore, it has been classified as a Variant of Uncertain Significance.